The following is an entry in ClinVar:

NM_016507.4(CDK12):c.2389C>G (p.Gln797Glu)

Gene: CDK12 (cyclin dependent kinase 12; plus strand). Cytogenetic location: 17q12.
Variant type: single nucleotide variant.
Coding change: c.2389C>G on transcript NM_016507.4 (MANE Select); coding-DNA position 2389, C replaced by G.
Protein change: p.Gln797Glu; replaces glutamine 797 with glutamic acid.
Molecular consequence: missense variant.
Genome position (GRCh38, 1-based): chr17:39,494,664, C>G. VCF-style: chr17-39494664-C-G. GRCh37 (hg19) VCF-style: chr17-37650917-C-G.
Other names: c.2389C>G, p.Gln797Glu (NM_015083.4); short protein forms Q797E.
Identifiers: ClinVar variation 3999485 (VCV003999485.1).

ClinVar aggregate classification (germline): Uncertain significance (1 of 4 stars; one submission).

gnomAD v4.1: 1 of 1,584,850 alleles (0.000063%); highest among the groups gnomAD compares: East Asian, 0.0023%; no homozygotes.

Submission:

Ambry Genetics
Classification: Uncertain significance. Last evaluated: 2025-05-23. Review status: criteria provided, single submitter. Criteria: Ambry Variant Classification Scheme 2023. Collection method: clinical testing. Allele origin: germline.
Comment: The p.Q797E variant (also known as c.2389C>G), located in coding exon 5 of the CDK12 gene, results from a C to G substitution at nucleotide position 2389. The glutamine at codon 797 is replaced by glutamic acid, an amino acid with highly similar properties. This amino acid position is conserved. In addition, this alteration is predicted to be tolerated by in silico analysis. Based on the available evidence, the clinical significance of this variant remains unclear.